The following is an entry in ClinVar:

ClinVar aggregate classification (germline): Uncertain significance (1 of 4 stars; one submission).

Submission:

GeneDx
Classification: Uncertain significance. Last evaluated: 2024-03-22. Review status: criteria provided, single submitter. Criteria: GeneDx Variant Classification Process June 2021. Collection method: clinical testing. Allele origin: germline. Affected: yes.
Comment: In silico analysis supports that this missense variant does not alter protein structure/function; Has not been previously published as pathogenic or benign to our knowledge

NM_001099922.3(ALG13):c.1817A>G (p.Lys606Arg)

Gene: ALG13 (ALG13 UDP-N-acetylglucosaminyltransferase subunit; plus strand). Cytogenetic location: Xq23.
Variant type: single nucleotide variant.
Coding change: c.1817A>G on transcript NM_001099922.3 (MANE Select); coding-DNA position 1817, A replaced by G.
Protein change: p.Lys606Arg; replaces lysine 606 with arginine.
Molecular consequence: missense variant. On other transcripts: non-coding transcript variant (1).
Genome position (GRCh38, 1-based): chrX:111,726,896, A>G. VCF-style: chrX-111726896-A-G. GRCh37 (hg19) VCF-style: chrX-110970124-A-G.
Other names: c.1505A>G, p.Lys502Arg (NM_001257230.2, NM_001257234.2, NM_001257237.2); c.1583A>G, p.Lys528Arg (NM_001257231.2); c.1817A>G, p.Lys606Arg (NM_001324292.2); c.1331A>G, p.Lys444Arg (NM_001324293.1); short protein forms K444R, K502R, K528R, K606R.
Identifiers: ClinVar variation 3371472 (VCV003371472.1).
Genomic context (GRCh38, chrX:111,726,896, plus strand): 5'-AGAAGAAGATGTTCAAGAAAATTCGAGGGAAAGAAGTTTACATGACTATGGCTTACGGCA[A>G]GGGAGACCCCCTCCTCCCACCCAGGCTGCAGCACAGTATGCATTATGGGCACGATCCTCC-3'
Protein context (NP_001093392.1, residues 596-616): KEVYMTMAYG[Lys606Arg]GDPLLPPRLQ